The following is an entry in ClinVar:

NM_003545.4(H4C5):c.166C>A (p.Arg56Ser)

Gene: H4C5 (H4 clustered histone 5; plus strand). Cytogenetic location: 6p22.2.
Variant type: single nucleotide variant.
Coding change: c.166C>A on transcript NM_003545.4 (MANE Select); coding-DNA position 166, C replaced by A.
Protein change: p.Arg56Ser; replaces arginine 56 with serine.
Molecular consequence: missense variant.
Genome position (GRCh38, 1-based): chr6:26,204,810, C>A. VCF-style: chr6-26204810-C-A. GRCh37 (hg19) VCF-style: chr6-26205038-C-A.
Other names: short protein forms R56S.
Identifiers: ClinVar variation 5008582 (VCV005008582.1).

ClinVar aggregate classification (germline): Uncertain significance (1 of 4 stars; one submission).

Submission:

GeneDx
Classification: Uncertain significance. Last evaluated: 2026-03-04. Review status: criteria provided, single submitter. Criteria: GeneDx Variant Classification Process June 2021. Collection method: clinical testing. Allele origin: germline.
Comment: Not observed at significant frequency in large population cohorts (gnomAD); In silico analysis supports that this missense variant has a deleterious effect on protein structure/function; Has not been previously published as pathogenic or benign to our knowledge